The following is an entry in ClinVar:

NM_001129.5(AEBP1):c.651A>T (p.Ala217=)

Gene: AEBP1 (AE binding protein 1; plus strand). Cytogenetic location: 7p13.
Variant type: single nucleotide variant.
Coding change: c.651A>T on transcript NM_001129.5 (MANE Select); coding-DNA position 651, A replaced by T.
Protein change: p.Ala217=; no amino-acid change (alanine 217 retained).
Molecular consequence: synonymous variant.
Genome position (GRCh38, 1-based): chr7:44,107,494, A>T. VCF-style: chr7-44107494-A-T. GRCh37 (hg19) VCF-style: chr7-44147093-A-T.
Other names: p.Ala217=.
Identifiers: ClinVar variation 1326562 (VCV001326562.33), dbSNP rs747297608, ClinGen allele CA4237542.

ClinVar aggregate classification (germline): Likely benign. Review status: criteria provided, multiple submitters, no conflicts (2 of 4 stars). 7 submissions from 7 submitters: Likely benign (7). Last evaluated 2026-01-04.

Conditions:
AEBP1-related disorder. Also called: AEBP1-related condition.

Allele frequency attached by ClinVar (database versions not stated): ExAC 0.00003; gnomAD exomes 0.00007 and 0.00025; gnomAD 0.00011 and 0.00019; TOPMed 0.00016.
gnomAD v4.1: 384 of 1,613,292 alleles (0.024%); highest among the groups gnomAD compares: Non-Finnish European, 0.031%; no homozygotes.

Submissions (7):

Labcorp Genetics (formerly Invitae), Labcorp
Classification: Likely benign. Last evaluated: 2026-01-04. Review status: criteria provided, single submitter. Criteria: Invitae Variant Classification Sherloc (09022015). Collection method: clinical testing. Allele origin: germline.

Mayo Clinic Laboratories, Mayo Clinic
Classification: Likely benign. Last evaluated: 2025-07-30. Review status: criteria provided, single submitter. Criteria: ACMG Guidelines, 2015. Collection method: clinical testing. Allele origin: germline. Observed: 2 variant alleles.
Comment: BP4, BP7

PreventionGenetics, part of Exact Sciences
Classification: Likely benign for AEBP1-related condition. Last evaluated: 2025-07-14. Review status: criteria provided, single submitter. Criteria: ACMG Guidelines, 2015. Collection method: clinical testing. Allele origin: germline.
Comment: This variant is classified as likely benign based on ACMG/AMP sequence variant interpretation guidelines (Richards et al. 2015 PMID: 25741868, with internal and published modifications).

Women's Health and Genetics/Laboratory Corporation of America, LabCorp
Classification: Likely benign. Last evaluated: 2025-05-14. Review status: criteria provided, single submitter. Criteria: LabCorp Variant Classification Summary - May 2015. Collection method: clinical testing. Allele origin: germline.

CeGaT Center for Human Genetics Tuebingen
Classification: Likely benign. Last evaluated: 2025-05-01. Review status: criteria provided, single submitter. Criteria: CeGaT Center For Human Genetics Tuebingen Variant Classification Criteria Version 2. Collection method: clinical testing. Allele origin: germline. Affected: yes. Observed: 2 variant alleles.
Comment: AEBP1: BP4, BP7

Blueprint Genetics
Classification: Likely benign. Last evaluated: 2024-09-04. Review status: criteria provided, single submitter. Criteria: ACMG Guidelines, 2015. Collection method: clinical testing. Allele origin: germline.

GeneDx
Classification: Likely benign. Last evaluated: 2021-04-01. Review status: criteria provided, single submitter. Criteria: GeneDx Variant Classification Process June 2021. Collection method: clinical testing. Allele origin: germline. Affected: yes.